The following is an entry in ClinVar:

NM_004984.4(KIF5A):c.2927C>T (p.Thr976Ile)

Gene: KIF5A (kinesin family member 5A; plus strand). Cytogenetic location: 12q13.3.
Variant type: single nucleotide variant.
Coding change: c.2927C>T on transcript NM_004984.4 (MANE Select); coding-DNA position 2927, C replaced by T.
Protein change: p.Thr976Ile; replaces threonine 976 with isoleucine.
Molecular consequence: missense variant.
Genome position (GRCh38, 1-based): chr12:57,581,887, C>T. VCF-style: chr12-57581887-C-T. GRCh37 (hg19) VCF-style: chr12-57975670-C-T.
Other names: p.Thr976Ile; c.2660C>T, p.Thr887Ile (NM_001354705.2); short protein forms T976I, T887I.
Identifiers: ClinVar variation 309950 (VCV000309950.64), dbSNP rs139801016, ClinGen allele CA6653255.

ClinVar aggregate classification (germline): Conflicting classifications of pathogenicity. Review status: criteria provided, conflicting classifications (1 of 4 stars). 8 submissions from 8 submitters: Uncertain significance (2); Likely benign (6). Last evaluated 2026-08-01.

Conditions:
Spastic paraplegia. Identifiers: MedGen C0037772, HP:0001258.
Hereditary spastic paraplegia. Also called: Familial spastic paraparesis. Identifiers: Orphanet 685, MedGen C0037773, MONDO:0019064. Disease mechanism: loss of function.
Hereditary spastic paraplegia 10 (SPG10). Also called: SPASTIC PARAPLEGIA 10, AUTOSOMAL DOMINANT; SPASTIC PARAPLEGIA 10 WITH OR WITHOUT PERIPHERAL NEUROPATHY; SPASTIC PARAPLEGIA 10 WITH PERIPHERAL NEUROPATHY. Identifiers: Orphanet 100991, MedGen C1858712, MONDO:0011408, OMIM 604187.
KIF5A-related disorder. Also called: KIF5A-related condition; KIF5A-related disorders.
Amyotrophic lateral sclerosis (ALS). Also called: Charcot disease; Lou Gehrig disease. Identifiers: Orphanet 803, MedGen C0002736, MONDO:0004976, HP:0007354.

Allele frequency attached by ClinVar (database versions not stated): gnomAD 0.00014 and 0.00016; TOPMed 0.00019; gnomAD exomes 0.00021 and 0.00027; ExAC 0.00023; ESP Exome Variant Server 0.00046.
gnomAD v4.1: 339 of 1,613,994 alleles (0.021%); highest among the groups gnomAD compares: Middle Eastern, 0.18%; 2 homozygotes.

Submissions (8):

CeGaT Center for Human Genetics Tuebingen
Classification: Likely benign. Last evaluated: 2026-08-01. Review status: criteria provided, single submitter. Criteria: CeGaT Center For Human Genetics Tuebingen Variant Classification Criteria Version 2. Collection method: clinical testing. Allele origin: germline. Affected: yes. Observed: 5 variant alleles.
Comment: KIF5A: BP4, BS2

PreventionGenetics, part of Exact Sciences
Classification: Uncertain significance for KIF5A-related condition. Last evaluated: 2026-04-07. Review status: criteria provided, single submitter. Criteria: ACMG Guidelines, 2015. Collection method: clinical testing. Allele origin: germline.
Comment: The KIF5A c.2927C>T variant is predicted to result in the amino acid substitution p.Thr976Ile. This variant was reported in an individual with amyotrophic lateral sclerosis (ALS, Goldstein et al. 2019. PubMed ID: 31108397). It is reported in 70 alleles out of 282842 alleles in gnomAD, which may be too frequent to be a primary cause of disease. This variant has conflicting classifications listed in ClinVar ranging from likely benign to uncertain (ClinVar ID: 309950). Statistical evidence in gnomAD suggests the KIF5A gene is intolerant of missense variation. Although we suspect that this variant may be benign, at this time, the clinical significance of this variant is uncertain due to the absence of conclusive functional and genetic evidence.

Labcorp Genetics (formerly Invitae), Labcorp
Classification: Likely benign for Spastic paraplegia. Last evaluated: 2026-01-01. Review status: criteria provided, single submitter. Criteria: Invitae Variant Classification Sherloc (09022015). Collection method: clinical testing. Allele origin: germline.

Mayo Clinic Laboratories, Mayo Clinic
Classification: Likely benign. Last evaluated: 2024-10-21. Review status: criteria provided, single submitter. Criteria: ACMG Guidelines, 2015. Collection method: clinical testing. Allele origin: germline. Observed: 3 variant alleles.
Comment: BS2, BP4

UM ALS/MND Lab, University Of Malta
Classification: Uncertain significance for Amyotrophic lateral sclerosis. Last evaluated: 2020-09-09. Review status: criteria provided, single submitter. Criteria: ACMG Guidelines, 2015. Collection method: case-control. Allele origin: unknown. Affected: yes. Observed: 1 variant allele.
Comment: Single heterozygote

GeneDx
Classification: Likely benign. Last evaluated: 2018-08-10. Review status: criteria provided, single submitter. Criteria: GeneDx Variant Classification Process June 2021. Collection method: clinical testing. Allele origin: germline. Affected: yes.
Comment: This variant is associated with the following publications: (PMID: 31108397)

Illumina Laboratory Services, Illumina
Classification: Likely benign for Hereditary spastic paraplegia 10. Last evaluated: 2018-01-12. Review status: criteria provided, single submitter. Criteria: ICSL Variant Classification Criteria 13 December 2019. Collection method: clinical testing. Allele origin: germline.
Comment: This variant was observed in the ICSL laboratory as part of a predisposition screen in an ostensibly healthy population. It had not been previously curated by ICSL or reported in the Human Gene Mutation Database (HGMD: prior to June 1st, 2018), and was therefore a candidate for classification through an automated scoring system. Utilizing variant allele frequency, disease prevalence and penetrance estimates, and inheritance mode, an automated score was calculated to assess if this variant is too frequent to cause the disease. Based on the score and internal cut-off values, a variant classified as likely benign is not then subjected to further curation. The score for this variant resulted in a classification of likely benign for this disease.

Genome Diagnostics Laboratory, The Hospital for Sick Children
Classification: Likely benign for Hereditary spastic paraplegia. Last evaluated: 2016-12-12. Review status: criteria provided, single submitter. Criteria: ACMG Guidelines, 2015. Collection method: clinical testing. Allele origin: germline. Affected: yes.

Literature cited by the submitters: PubMed 31108397 (cited by Mayo Clinic Laboratories, Mayo Clinic).